The following is an entry in ClinVar:

NM_001384732.1(CPLANE1):c.4607C>T (p.Pro1536Leu)

Gene: CPLANE1 (ciliogenesis and planar polarity effector complex subunit 1; minus strand). Cytogenetic location: 5p13.2.
Variant type: single nucleotide variant.
Coding change: c.4607C>T on transcript NM_001384732.1 (MANE Select); coding-DNA position 4607, C replaced by T.
Protein change: p.Pro1536Leu; replaces proline 1536 with leucine.
Molecular consequence: missense variant.
Genome position (GRCh38, 1-based): chr5:37,183,574, G>A on the plus strand (C>T on the coding strand, the complement: CPLANE1 is on the minus strand). VCF-style: chr5-37183574-G-A. GRCh37 (hg19) VCF-style: chr5-37183676-G-A.
Other names: c.4607C>T, p.Pro1536Leu (NM_023073.4); short protein forms P1536L.
Identifiers: ClinVar variation 2986582 (VCV002986582.3), dbSNP rs2547837002, ClinGen allele CA359497557.

ClinVar aggregate classification (germline): Uncertain significance (1 of 4 stars; one submission).

Submission:

Labcorp Genetics (formerly Invitae), Labcorp
Classification: Uncertain significance. Last evaluated: 2023-01-16. Review status: criteria provided, single submitter. Criteria: Invitae Variant Classification Sherloc (09022015). Collection method: clinical testing. Allele origin: germline.
Comment: This sequence change replaces proline, which is neutral and non-polar, with leucine, which is neutral and non-polar, at codon 1536 of the CPLANE1 protein (p.Pro1536Leu). This variant is not present in population databases (gnomAD no frequency). This variant has not been reported in the literature in individuals affected with CPLANE1-related conditions. Advanced modeling of protein sequence and biophysical properties (such as structural, functional, and spatial information, amino acid conservation, physicochemical variation, residue mobility, and thermodynamic stability) has been performed at Invitae for this missense variant, however the output from this modeling did not meet the statistical confidence thresholds required to predict the impact of this variant on CPLANE1 protein function. In summary, the available evidence is currently insufficient to determine the role of this variant in disease. Therefore, it has been classified as a Variant of Uncertain Significance.